The following is an entry in ClinVar:

NM_005026.5(PIK3CD):c.2164G>T (p.Glu722Ter)

Gene: PIK3CD (phosphatidylinositol-4,5-bisphosphate 3-kinase catalytic subunit delta; plus strand). Cytogenetic location: 1p36.22.
Variant type: single nucleotide variant.
Coding change: c.2164G>T on transcript NM_005026.5 (MANE Select); coding-DNA position 2164, G replaced by T.
Protein change: p.Glu722Ter; replaces glutamic acid 722 with a stop codon.
Molecular consequence: nonsense.
Genome position (GRCh38, 1-based): chr1:9,722,083, G>T. VCF-style: chr1-9722083-G-T. GRCh37 (hg19) VCF-style: chr1-9782141-G-T.
Other names: c.2161G>T, p.Glu721Ter (NM_001350234.2); c.2077G>T, p.Glu693Ter (NM_001350235.1); short protein forms E721*, E693*, E722*.
Identifiers: ClinVar variation 2699590 (VCV002699590.3), dbSNP rs2525089647, ClinGen allele CA338305170.

ClinVar aggregate classification (germline): Pathogenic (1 of 4 stars; one submission).

Conditions:
Immunodeficiency 14 (IMD14A). Also called: p110-DELTA-ACTIVATING MUTATION CAUSING SENESCENT T CELLS, LYMPHADENOPATHY, AND IMMUNODEFICIENCY; IMMUNODEFICIENCY 14A WITH LYMPHOPROLIFERATION, AUTOSOMAL DOMINANT; ACTIVATED PI3K-DELTA SYNDROME 1; Activated PI3K Delta Syndrome Type 1 (APDS1). Identifiers: Orphanet 397596, Orphanet 693661, MedGen C5907821, MONDO:0014222, OMIM 615513.

Submission:

Labcorp Genetics (formerly Invitae), Labcorp
Classification: Pathogenic for Activated PI3K-delta syndrome. Last evaluated: 2025-06-17. Review status: criteria provided, single submitter. Criteria: Invitae Variant Classification Sherloc (09022015). Collection method: clinical testing. Allele origin: germline.
Comment: This sequence change creates a premature translational stop signal (p.Glu722*) in the PIK3CD gene. It is expected to result in an absent or disrupted protein product. Loss-of-function variants in PIK3CD are known to be pathogenic (PMID: 30040974, 31073077). This variant is not present in population databases (gnomAD no frequency). This variant has not been reported in the literature in individuals affected with PIK3CD-related conditions. ClinVar contains an entry for this variant (Variation ID: 2699590). For these reasons, this variant has been classified as Pathogenic.

Literature cited by the submitters: PubMed 30040974; PubMed 31073077.